The following is an entry in ClinVar:

ClinVar aggregate classification (germline): Uncertain significance (1 of 4 stars; one submission).

gnomAD v4.1: 2 of 1,613,090 alleles (0.00012%); highest among the groups gnomAD compares: Non-Finnish European, 0.00017%; no homozygotes.

Submission:

CeGaT Center for Human Genetics Tuebingen
Classification: Uncertain significance. Last evaluated: 2023-12-01. Review status: criteria provided, single submitter. Criteria: CeGaT Center For Human Genetics Tuebingen Variant Classification Criteria Version 2. Collection method: clinical testing. Allele origin: germline. Affected: yes. Observed: 1 variant allele.
Comment: ARV1: PM2

NM_022786.3(ARV1):c.655A>C (p.Asn219His)

Gene: ARV1 (ARV1 fatty acid homeostasis modulator; plus strand). Cytogenetic location: 1q42.2.
Variant type: single nucleotide variant.
Coding change: c.655A>C on transcript NM_022786.3 (MANE Select); coding-DNA position 655, A replaced by C.
Protein change: p.Asn219His; replaces asparagine 219 with histidine.
Molecular consequence: missense variant. On other transcripts: non-coding transcript variant (1).
Genome position (GRCh38, 1-based): chr1:230,995,966, A>C. VCF-style: chr1-230995966-A-C. GRCh37 (hg19) VCF-style: chr1-231131712-A-C.
Other names: c.754A>C, p.Asn252His (NM_001346992.2); short protein forms N219H, N252H.
Identifiers: ClinVar variation 3026922 (VCV003026922.22), dbSNP rs767939327, ClinGen allele CA345220014.
Genomic context (GRCh38, chr1:230,995,966, plus strand): 5'-TGGGAACATGACTACACATCTGTGTGCCTCAAACTCATTAAAGTATTTGTTCTTACATCA[A>C]ATTTTCAGGCAATTAGAGGTATGTTTATGTGTTTATTCTGCCTTCTCAGTTTTCAACCCA-3'
Protein context (NP_073623.1, residues 209-229): KLIKVFVLTS[Asn219His]FQAIRVTLNI